The following is an entry in ClinVar:

NM_000359.3(TGM1):c.688G>A (p.Ala230Thr)

Gene: TGM1 (transglutaminase 1; minus strand). Cytogenetic location: 14q12.
Variant type: single nucleotide variant.
Coding change: c.688G>A on transcript NM_000359.3 (MANE Select); coding-DNA position 688, G replaced by A.
Protein change: p.Ala230Thr; replaces alanine 230 with threonine.
Molecular consequence: missense variant.
Genome position (GRCh38, 1-based): chr14:24,260,519, C>T on the plus strand (G>A on the coding strand, the complement: TGM1 is on the minus strand). VCF-style: chr14-24260519-C-T. GRCh37 (hg19) VCF-style: chr14-24729725-C-T.
Other names: short protein forms A230T.
Identifiers: ClinVar variation 3025480 (VCV003025480.22), dbSNP rs531428094, ClinGen allele CA7131327.

ClinVar aggregate classification (germline): Uncertain significance (1 of 4 stars; one submission).

Allele frequency attached by ClinVar (database versions not stated): TOPMed 0.00001; gnomAD 0.00002; 1000 Genomes Project 0.00020; 1000 Genomes Project 30x 0.00031.
gnomAD v4.1: 25 of 1,614,224 alleles (0.0015%); highest among the groups gnomAD compares: Admixed American, 0.005%; no homozygotes.

Submission:

CeGaT Center for Human Genetics Tuebingen
Classification: Uncertain significance. Last evaluated: 2024-01-01. Review status: criteria provided, single submitter. Criteria: CeGaT Center For Human Genetics Tuebingen Variant Classification Criteria Version 2. Collection method: clinical testing. Allele origin: germline. Affected: yes. Observed: 1 variant allele.
Comment: TGM1: PM2, BP4